The following is an entry in ClinVar:

NM_174878.3(CLRN1):c.606T>G (p.Asn202Lys)

Gene: CLRN1 (clarin 1; minus strand). Cytogenetic location: 3q25.1.
Variant type: single nucleotide variant.
Coding change: c.606T>G on transcript NM_174878.3 (MANE Select); coding-DNA position 606, T replaced by G.
Protein change: p.Asn202Lys; replaces asparagine 202 with lysine.
Molecular consequence: missense variant. On other transcripts: 3 prime UTR variant (1), non-coding transcript variant (1), intron variant (1).
Genome position (GRCh38, 1-based): chr3:150,928,029, A>C on the plus strand (T>G on the coding strand, the complement: CLRN1 is on the minus strand). VCF-style: chr3-150928029-A-C. GRCh37 (hg19) VCF-style: chr3-150645816-A-C.
Other names: c.645T>G, p.Asn215Lys (NM_001195794.1); c.*220T>G (NM_001256819.2); c.342+36T>G (NM_052995.2); short protein forms N202K, N215K.
Identifiers: ClinVar variation 971183 (VCV000971183.14), dbSNP rs746128095, ClinGen allele CA2666006.

ClinVar aggregate classification (germline): Conflicting classifications of pathogenicity. Review status: criteria provided, conflicting classifications (1 of 4 stars). 5 submissions from 5 submitters: Pathogenic (1); Likely pathogenic (2); Uncertain significance (1). 1 of the submissions does not count toward it. Last evaluated 2025-08-01.

Conditions:
Usher syndrome. Also called: Usher Syndromes; Usher's syndrome. Identifiers: Orphanet 886, MedGen CN469326, MeSH D052245, MONDO:0019501. Disease mechanism: loss of function.
Usher syndrome type 3. Also called: Usher Syndrome, Type III. Identifiers: Orphanet 231183, MedGen C1568248, MONDO:0016485.
Retinitis pigmentosa 61 (RP61). Identifiers: Orphanet 791, MedGen C3280041, MONDO:0013610, OMIM 614180.
Usher syndrome type 3A (USH3A). Also called: USHER SYNDROME, TYPE IIIA. Identifiers: MedGen C5779850, MONDO:0010170, OMIM 276902.
Retinal dystrophy. Also called: Inherited retinal dystrophy. Identifiers: Orphanet 71862, MedGen C0854723, MeSH D058499, MONDO:0019118, HP:0000556.

Allele frequency attached by ClinVar (database versions not stated): ExAC 0.00001; gnomAD exomes 0.00001.
gnomAD v4.1: 11 of 1,614,208 alleles (0.00068%); highest among the groups gnomAD compares: East Asian, 0.025%; no homozygotes.

Submissions (5):

Myriad Genetics, Inc.
Classification: Uncertain significance for Usher syndrome type 3. Last evaluated: 2025-08-01. Review status: criteria provided, single submitter. Criteria: Myriad Autosomal Dominant, Autosomal Recessive and X-Linked Classification Criteria (2023). Collection method: clinical testing. Allele origin: unknown.
Comment: NM_174878.2(CLRN1):c.606T>G(N202K) is a missense variant classified as a variant of uncertain significance in the context of usher syndrome type 3. N202K has been observed in cases with relevant disease (PMID: 25743179). Relevant functional assessments of this variant are not available in the literature. N202K has been observed in referenced population frequency databases. In summary, there is insufficient evidence to classify NM_174878.2(CLRN1):c.606T>G(N202K) as pathogenic or benign. Please note: this variant was assessed in the context of healthy population screening.

Fulgent Genetics
Classification: Likely pathogenic for Usher syndrome type 3A; Retinitis pigmentosa 61. Last evaluated: 2024-05-30. Review status: criteria provided, single submitter. Criteria: ACMG Guidelines, 2015. Collection method: clinical testing. Allele origin: germline.

Women's Health and Genetics/Laboratory Corporation of America, LabCorp
Classification: Likely pathogenic for Usher syndrome. Last evaluated: 2024-05-29. Review status: criteria provided, single submitter. Criteria: LabCorp Variant Classification Summary - May 2015. Collection method: clinical testing. Allele origin: germline.
Comment: Variant summary: CLRN1 c.606T>G (p.Asn202Lys) results in a non-conservative amino acid change in the encoded protein sequence. Five of five in-silico tools predict a damaging effect of the variant on protein function. The variant allele was found at a frequency of 8e-06 in 251094 control chromosomes (gnomAD). c.606T>G has been reported in the literature in homozygous individuals affected with Usher Syndrome (Yoshimura_2015). These data indicate that the variant is likely to be associated with disease. To our knowledge, no experimental evidence demonstrating an impact on protein function has been reported. The following publication have been ascertained in the context of this evaluation (PMID: 25743179). ClinVar contains an entry for this variant (Variation ID: 971183). Based on the evidence outlined above, the variant was classified as likely pathogenic.

Labcorp Genetics (formerly Invitae), Labcorp
Classification: Pathogenic. Last evaluated: 2023-09-29. Review status: criteria provided, single submitter. Criteria: Invitae Variant Classification Sherloc (09022015). Collection method: clinical testing. Allele origin: germline.
Comment: ClinVar contains an entry for this variant (Variation ID: 971183). This missense change has been observed in individual(s) with Usher syndrome (PMID: 25743179). This variant is present in population databases (rs746128095, gnomAD 0.01%). This sequence change replaces asparagine, which is neutral and polar, with lysine, which is basic and polar, at codon 202 of the CLRN1 protein (p.Asn202Lys). An algorithm developed to predict the effect of missense changes on protein structure and function (PolyPhen-2) suggests that this variant is likely to be disruptive. For these reasons, this variant has been classified as Pathogenic.

Dept Of Ophthalmology, Nagoya University
Classification: Uncertain significance for Retinal dystrophy. Last evaluated: 2023-10-01. Review status: flagged submission. Criteria: Submitter's publication. Collection method: research. Allele origin: germline. Affected: yes. Not counted in ClinVar's aggregate classification.
ClinVar note: Reason: Outlier claim with insufficient supporting evidence

Literature cited by the submitters: PubMed 25743179 (cited by 3 submitters).